The following is an entry in ClinVar:

NM_000179.3(MSH6):c.4037A>G (p.Asp1346Gly)

Gene: MSH6 (mutS homolog 6; plus strand). Cytogenetic location: 2p16.3.
Variant type: single nucleotide variant.
Coding change: c.4037A>G on transcript NM_000179.3 (MANE Select); coding-DNA position 4037, A replaced by G.
Protein change: p.Asp1346Gly; replaces aspartic acid 1346 with glycine.
Molecular consequence: missense variant.
Genome position (GRCh38, 1-based): chr2:47,806,814, A>G. VCF-style: chr2-47806814-A-G. GRCh37 (hg19) VCF-style: chr2-48033953-A-G.
Other names: c.3647A>G, p.Asp1216Gly (NM_001281492.2); c.3131A>G, p.Asp1044Gly (NM_001281493.2, NM_001281494.2); short protein forms D1216G, D1346G, D1044G.
Identifiers: ClinVar variation 663934 (VCV000663934.14), dbSNP rs1456961917, ClinGen allele CA346761688.

ClinVar aggregate classification (germline): Uncertain significance. Review status: criteria provided, multiple submitters, no conflicts (2 of 4 stars). 3 submissions from 3 submitters: Uncertain significance (3). Last evaluated 2025-05-29.

Conditions:
Hereditary cancer-predisposing syndrome. Also called: Neoplastic Syndromes, Hereditary; Tumor predisposition; Hereditary neoplastic syndrome; Hereditary Cancer Syndrome. Identifiers: Orphanet 140162, MedGen C0027672, MeSH D009386, MONDO:0015356.
Hereditary nonpolyposis colorectal neoplasms. Identifiers: MedGen C0009405, MeSH D003123.

Submissions (3):

Ambry Genetics
Classification: Uncertain significance for Hereditary cancer-predisposing syndrome. Last evaluated: 2025-05-29. Review status: criteria provided, single submitter. Criteria: Ambry Variant Classification Scheme 2023. Collection method: clinical testing. Allele origin: germline.
Comment: The p.D1346G variant (also known as c.4037A>G), located in coding exon 10 of the MSH6 gene, results from an A to G substitution at nucleotide position 4037. The aspartic acid at codon 1346 is replaced by glycine, an amino acid with similar properties. This amino acid position is well conserved in available vertebrate species. In addition, the in silico prediction for this alteration is inconclusive. Based on the available evidence, the clinical significance of this variant remains unclear.

Labcorp Genetics (formerly Invitae), Labcorp
Classification: Uncertain significance for Hereditary nonpolyposis colorectal neoplasms. Last evaluated: 2024-11-18. Review status: criteria provided, single submitter. Criteria: Invitae Variant Classification Sherloc (09022015). Collection method: clinical testing. Allele origin: germline.
Comment: This sequence change replaces aspartic acid, which is acidic and polar, with glycine, which is neutral and non-polar, at codon 1346 of the MSH6 protein (p.Asp1346Gly). This variant is not present in population databases (gnomAD no frequency). This variant has not been reported in the literature in individuals affected with MSH6-related conditions. ClinVar contains an entry for this variant (Variation ID: 663934). Invitae Evidence Modeling of protein sequence and biophysical properties (such as structural, functional, and spatial information, amino acid conservation, physicochemical variation, residue mobility, and thermodynamic stability) indicates that this missense variant is not expected to disrupt MSH6 protein function with a negative predictive value of 95%. In summary, the available evidence is currently insufficient to determine the role of this variant in disease. Therefore, it has been classified as a Variant of Uncertain Significance.

Color Diagnostics, LLC DBA Color Health
Classification: Uncertain significance for Hereditary cancer-predisposing syndrome. Last evaluated: 2020-12-08. Review status: criteria provided, single submitter. Criteria: ACMG Guidelines, 2015. Collection method: clinical testing. Allele origin: germline.
Comment: This missense variant replaces aspartic acid with glycine at codon 1346 of the MSH6 protein. Computational prediction suggests that this variant may not impact protein structure and function (internally defined REVEL score threshold <= 0.5, PMID: 27666373). To our knowledge, functional studies have not been reported for this variant. This variant has not been reported in individuals affected with hereditary cancer in the literature. This variant has not been identified in the general population by the Genome Aggregation Database (gnomAD). The available evidence is insufficient to determine the role of this variant in disease conclusively. Therefore, this variant is classified as a Variant of Uncertain Significance.